The following is an entry in ClinVar:

ClinVar aggregate classification (germline): Uncertain significance (1 of 4 stars; one submission).

Submission:

Labcorp Genetics (formerly Invitae), Labcorp
Classification: Uncertain significance. Last evaluated: 2022-12-06. Review status: criteria provided, single submitter. Criteria: Invitae Variant Classification Sherloc (09022015). Collection method: clinical testing. Allele origin: germline.
Comment: In summary, the available evidence is currently insufficient to determine the role of this variant in disease. Therefore, it has been classified as a Variant of Uncertain Significance. Algorithms developed to predict the effect of missense changes on protein structure and function are either unavailable or do not agree on the potential impact of this missense change (SIFT: "Deleterious"; PolyPhen-2: "Benign"; Align-GVGD: "Class C0"). This variant has not been reported in the literature in individuals affected with AGAP1-related conditions. This variant is not present in population databases (gnomAD no frequency). This sequence change replaces isoleucine, which is neutral and non-polar, with valine, which is neutral and non-polar, at codon 505 of the AGAP1 protein (p.Ile505Val).

NM_001037131.3(AGAP1):c.1672A>G (p.Ile558Val)

Gene: AGAP1 (ArfGAP with GTPase domain, ankyrin repeat and PH domain 1; plus strand). Cytogenetic location: 2q37.2.
Variant type: single nucleotide variant.
Coding change: c.1672A>G on transcript NM_001037131.3 (MANE Select); coding-DNA position 1672, A replaced by G.
Protein change: p.Ile558Val; replaces isoleucine 558 with valine.
Molecular consequence: missense variant.
Genome position (GRCh38, 1-based): chr2:236,036,587, A>G. VCF-style: chr2-236036587-A-G. GRCh37 (hg19) VCF-style: chr2-236945231-A-G.
Other names: c.1513A>G, p.Ile505Val (NM_014914.5); short protein forms I558V, I505V.
Identifiers: ClinVar variation 2782687 (VCV002782687.3), dbSNP rs2057389534, ClinGen allele CA351166063.